The following is an entry in ClinVar:

ClinVar aggregate classification (germline): Benign/Likely benign. Review status: criteria provided, multiple submitters, no conflicts (2 of 4 stars). 4 submissions from 4 submitters: Benign (1); Likely benign (3). Last evaluated 2026-02-01.

Conditions:
Congenital generalized lipodystrophy type 1 (CGL1). Also called: BRUNZELL SYNDROME, AGPAT2-RELATED; Berardinelli-Seip Congenital Lipodystrophy Type 1. Identifiers: Orphanet 528, Orphanet 696189, MedGen C1720862, MONDO:0012071, OMIM 608594.

Allele frequency attached by ClinVar (database versions not stated): gnomAD 0.00004 and 0.00005; gnomAD exomes 0.00008 and 0.00042; 1000 Genomes Project 30x 0.00016; 1000 Genomes Project 0.00020; TOPMed 0.00025; ExAC 0.00027.
gnomAD v4.1: 125 of 1,613,140 alleles (0.0077%); highest among the groups gnomAD compares: Admixed American, 0.2%; no homozygotes.

Submissions (4):

CeGaT Center for Human Genetics Tuebingen
Classification: Likely benign. Last evaluated: 2026-02-01. Review status: criteria provided, single submitter. Criteria: CeGaT Center For Human Genetics Tuebingen Variant Classification Criteria Version 2. Collection method: clinical testing. Allele origin: germline. Affected: yes. Observed: 1 variant allele.
Comment: AGPAT2: BP4, BP7

Labcorp Genetics (formerly Invitae), Labcorp
Classification: Benign. Last evaluated: 2025-04-23. Review status: criteria provided, single submitter. Criteria: Invitae Variant Classification Sherloc (09022015). Collection method: clinical testing. Allele origin: germline.

Blueprint Genetics
Classification: Likely benign. Last evaluated: 2023-12-29. Review status: criteria provided, single submitter. Criteria: ACMG Guidelines, 2015. Collection method: clinical testing. Allele origin: germline.

Fulgent Genetics
Classification: Likely benign for Congenital generalized lipodystrophy type 1. Last evaluated: 2021-08-16. Review status: criteria provided, single submitter. Criteria: ACMG Guidelines, 2015. Collection method: clinical testing. Allele origin: unknown.

NM_006412.4(AGPAT2):c.273C>G (p.Pro91=)

Gene: AGPAT2 (1-acylglycerol-3-phosphate O-acyltransferase 2; minus strand). Cytogenetic location: 9q34.3.
Variant type: single nucleotide variant.
Coding change: c.273C>G on transcript NM_006412.4 (MANE Select); coding-DNA position 273, C replaced by G.
Protein change: p.Pro91=; no amino-acid change (proline 91 retained).
Molecular consequence: synonymous variant.
Genome position (GRCh38, 1-based): chr9:136,677,466, G>C on the plus strand (C>G on the coding strand, the complement: AGPAT2 is on the minus strand). VCF-style: chr9-136677466-G-C. GRCh37 (hg19) VCF-style: chr9-139571918-G-C.
Other names: c.273C>G, p.Pro91= (NM_001012727.2).
Identifiers: ClinVar variation 771430 (VCV000771430.12), dbSNP rs548976674, ClinGen allele CA5343090.
Genomic context (GRCh38, chr9:136,677,466, plus strand): 5'-CCCGAGGCCCGGCCTACCCATCATGTCCAGGATGCTCTGGTGGTTGGAGACGATGACACA[G>C]GGACGGGCCTCCTGCAGCCTGCGCGGGTCCCGCACCTCGAAGCGGAGCCCGTAAAAGTAC-3'
Protein context (NP_006403.2, residues 81-101): RDPRRLQEAR[Pro91=]CVIVSNHQSI